The following is an entry in ClinVar:

ClinVar aggregate classification (germline): Benign/Likely benign. Review status: criteria provided, multiple submitters, no conflicts (2 of 4 stars). 6 submissions from 6 submitters: Benign (1); Likely benign (4). 1 of the submissions does not count toward it. Last evaluated 2026-01-21.

Conditions:
FAM111A-related disorder. Also called: FAM111A-related condition.
Inborn genetic diseases. Identifiers: MedGen C0950123, MeSH D030342.

Allele frequency attached by ClinVar (database versions not stated): gnomAD 0.00052 and 0.00055; ExAC 0.00056; gnomAD exomes 0.00059 and 0.00069; TOPMed 0.00059; 1000 Genomes Project 0.00060; ESP Exome Variant Server 0.00069; 1000 Genomes Project 30x 0.00078.
gnomAD v4.1: 1,078 of 1,614,172 alleles (0.067%); highest among the groups gnomAD compares: Middle Eastern, 0.2%; 1 homozygote.

Submissions (6):

Labcorp Genetics (formerly Invitae), Labcorp
Classification: Likely benign. Last evaluated: 2026-01-21. Review status: criteria provided, single submitter. Criteria: Invitae Variant Classification Sherloc (09022015). Collection method: clinical testing. Allele origin: germline.

Ambry Genetics
Classification: Likely benign for Inborn genetic diseases. Last evaluated: 2025-08-06. Review status: criteria provided, single submitter. Criteria: Ambry Variant Classification Scheme 2023. Collection method: clinical testing. Allele origin: germline.

Blueprint Genetics
Classification: Likely benign. Last evaluated: 2024-11-23. Review status: criteria provided, single submitter. Criteria: ACMG Guidelines, 2015. Collection method: clinical testing. Allele origin: germline.

CeGaT Center for Human Genetics Tuebingen
Classification: Benign. Last evaluated: 2022-09-01. Review status: criteria provided, single submitter. Criteria: CeGaT Center For Human Genetics Tuebingen Variant Classification Criteria Version 2. Collection method: clinical testing. Allele origin: germline. Affected: yes. Observed: 1 variant allele.
Comment: FAM111A: BS1, BS2

Breakthrough Genomics
Classification: Likely benign. Review status: criteria provided, single submitter. Criteria: ACMG Guidelines, 2015. Collection method: not provided. Allele origin: germline. Inheritance: Autosomal dominant inheritance. Affected: yes.

PreventionGenetics, part of Exact Sciences
Classification: Likely benign for FAM111A-related condition. Last evaluated: 2022-02-03. Review status: no assertion criteria provided. Collection method: clinical testing. Allele origin: germline. Not counted in ClinVar's aggregate classification.
Comment: This variant is classified as likely benign based on ACMG/AMP sequence variant interpretation guidelines (Richards et al. 2015 PMID: 25741868, with internal and published modifications).

NM_001312909.2(FAM111A):c.1588A>G (p.Ile530Val)

Gene: FAM111A (FAM111 trypsin like peptidase A; plus strand). Cytogenetic location: 11q12.1.
Variant type: single nucleotide variant.
Coding change: c.1588A>G on transcript NM_001312909.2 (MANE Select); coding-DNA position 1588, A replaced by G.
Protein change: p.Ile530Val; replaces isoleucine 530 with valine.
Molecular consequence: missense variant.
Genome position (GRCh38, 1-based): chr11:59,153,256, A>G. VCF-style: chr11-59153256-A-G. GRCh37 (hg19) VCF-style: chr11-58920729-A-G.
Other names: c.1588A>G, p.Ile530Val (NM_001142519.3, NM_001142520.3, NM_001142521.3 and 29 more transcripts); c.1588A>G (NM_001142520.1); short protein forms I530V.
Identifiers: ClinVar variation 789443 (VCV000789443.37), dbSNP rs117988338, ClinGen allele CA6016788.
Genomic context (GRCh38, chr11:59,153,256, plus strand): 5'-GAGTATGTCCATATGTATACTCAAAGAAGTTTCCAGAAAATAGTTCACAACCCTGATGTG[A>G]TTACCTATGACACTGAATTTTTCTTTGGGGCTTCCGGCTCCCCTGTGTTTGATTCAAAAG-3'
Protein context (NP_001299838.1, residues 520-540): FQKIVHNPDV[Ile530Val]TYDTEFFFGA